The following is an entry in ClinVar:

ClinVar aggregate classification (germline): Benign (0 of 4 stars; one submission).

Conditions:
SUMF2-related disorder. Also called: SUMF2-related condition.

Allele frequency attached by ClinVar (database versions not stated): 1000 Genomes Project 0.00200; 1000 Genomes Project 30x 0.00234; ExAC 0.00448; TOPMed 0.00624; gnomAD 0.00741; gnomAD exomes 0.00835.
gnomAD v4.1: 4,310 of 531,836 alleles (0.81%); highest among the groups gnomAD compares: Non-Finnish European, 1.1%; 39 homozygotes.

Submission:

PreventionGenetics, part of Exact Sciences
Classification: Benign for SUMF2-related condition. Last evaluated: 2019-02-28. Review status: no assertion criteria provided. Collection method: clinical testing. Allele origin: germline.
Comment: This variant is classified as benign based on ACMG/AMP sequence variant interpretation guidelines (Richards et al. 2015 PMID: 25741868, with internal and published modifications).

NM_015411.4(SUMF2):c.821+433G>T

Gene: SUMF2 (sulfatase modifying factor 2; plus strand). Cytogenetic location: 7p11.2.
Variant type: single nucleotide variant.
Coding change: c.821+433G>T on transcript NM_015411.4 (MANE Select); 433 bases into the intron after coding-DNA position 821, G replaced by T.
Molecular consequence: intron variant. On other transcripts: missense variant (2).
Genome position (GRCh38, 1-based): chr7:56,078,941, G>T. VCF-style: chr7-56078941-G-T. GRCh37 (hg19) VCF-style: chr7-56146634-G-T.
Other names: c.796G>T, p.Gly266Cys (NM_001366647.2); c.841G>T, p.Gly281Cys (NM_001366648.2); c.830+433G>T (NM_001042468.3); c.677-587G>T (NM_001130069.4); c.172+433G>T (NM_001366649.2); c.776+433G>T (NM_001042469.3); c.569+433G>T (NM_001042470.3); c.557+433G>T (NM_001146333.3); short protein forms G266C, G281C.
Identifiers: ClinVar variation 3037599 (VCV003037599.2), dbSNP rs145138273, ClinGen allele CA4269843.